The following is an entry in ClinVar:

ClinVar aggregate classification (germline): Benign/Likely benign. Review status: criteria provided, multiple submitters, no conflicts (2 of 4 stars). 3 submissions from 3 submitters: Benign (1); Likely benign (2). Last evaluated 2026-06-02.

Conditions:
Hereditary cancer-predisposing syndrome. Also called: Neoplastic Syndromes, Hereditary; Hereditary Cancer Syndrome; Hereditary neoplastic syndrome; Tumor predisposition. Identifiers: Orphanet 140162, MedGen C0027672, MeSH D009386, MONDO:0015356.
Gastrointestinal stromal tumor. Also called: Gastrointestinal stromal tumor, somatic; Gastrointestinal stroma tumor. Identifiers: Orphanet 44890, MedGen C0238198, MeSH D046152, MONDO:0011719, OMIM 606764, HP:0100723.

Submissions (3):

Myriad Genetics, Inc.
Classification: Benign for Gastrointestinal stromal tumor. Last evaluated: 2026-06-02. Review status: criteria provided, single submitter. Criteria: Myriad Autosomal Dominant, Autosomal Recessive and X-Linked Classification Criteria (2023). Collection method: clinical testing. Allele origin: unknown.
Comment: This variant is considered benign. This variant is a silent/synonymous amino acid change and it is not expected to impact splicing.

Ambry Genetics
Classification: Likely benign for Hereditary cancer-predisposing syndrome. Last evaluated: 2026-01-18. Review status: criteria provided, single submitter. Criteria: Ambry Variant Classification Scheme 2023. Collection method: clinical testing. Allele origin: germline.

Labcorp Genetics (formerly Invitae), Labcorp
Classification: Likely benign for Gastrointestinal stromal tumor. Last evaluated: 2025-04-17. Review status: criteria provided, single submitter. Criteria: Invitae Variant Classification Sherloc (09022015). Collection method: clinical testing. Allele origin: germline.

NM_000222.3(KIT):c.546C>T (p.Leu182=)

Gene: KIT (KIT proto-oncogene, receptor tyrosine kinase; plus strand). Cytogenetic location: 4q12.
Variant type: single nucleotide variant.
Coding change: c.546C>T on transcript NM_000222.3 (MANE Select); coding-DNA position 546, C replaced by T.
Protein change: p.Leu182=; no amino-acid change (leucine 182 retained).
Molecular consequence: synonymous variant.
Genome position (GRCh38, 1-based): chr4:54,698,492, C>T. VCF-style: chr4-54698492-C-T. GRCh37 (hg19) VCF-style: chr4-55564658-C-T.
Other names: c.546C>T, p.Leu182= (NM_001093772.2, NM_001385284.1, NM_001385285.1 and 4 more transcripts).
Identifiers: ClinVar variation 749081 (VCV000749081.10), dbSNP rs1577957110, ClinGen allele CA439409318.